The following is an entry in ClinVar:

ClinVar aggregate classification (germline): Uncertain significance (1 of 4 stars; one submission).

Conditions:
Fanconi anemia (FA). Also called: Fanconi's anemia. Identifiers: Orphanet 84, MedGen C0015625, MeSH D005199, MONDO:0019391.

Allele frequency attached by ClinVar (database versions not stated): gnomAD exomes below 0.00001; ExAC 0.00001.
gnomAD v4.1: 1 of 1,613,890 alleles (0.000062%); highest among the groups gnomAD compares: Non-Finnish European, 0.000085%; no homozygotes.

Submission:

Labcorp Genetics (formerly Invitae), Labcorp
Classification: Uncertain significance for Fanconi anemia. Last evaluated: 2020-09-11. Review status: criteria provided, single submitter. Criteria: Invitae Variant Classification Sherloc (09022015). Collection method: clinical testing. Allele origin: germline.
Comment: In summary, the available evidence is currently insufficient to determine the role of this variant in disease. Therefore, it has been classified as a Variant of Uncertain Significance. Algorithms developed to predict the effect of missense changes on protein structure and function do not agree on the potential impact of this missense change (SIFT: "Deleterious"; PolyPhen-2: "Possibly Damaging"; Align-GVGD: "Class C0"). This variant has not been reported in the literature in individuals with FANCD2-related disease. This variant is present in population databases (rs749410557, ExAC 0.001%). This sequence change replaces leucine with phenylalanine at codon 1265 of the FANCD2 protein (p.Leu1265Phe). The leucine residue is highly conserved and there is a small physicochemical difference between leucine and phenylalanine.

NM_001018115.3(FANCD2):c.3793C>T (p.Leu1265Phe)

Genes: FANCD2 (FA complementation group D2; plus strand), FANCD2OS (FANCD2 opposite strand; minus strand). Cytogenetic location: 3p25.3.
Variant type: single nucleotide variant.
Coding change: c.3793C>T on transcript NM_001018115.3 (MANE Select); coding-DNA position 3793, C replaced by T.
Protein change: p.Leu1265Phe; replaces leucine 1265 with phenylalanine.
Molecular consequence: missense variant. On other transcripts: intron variant (1).
Genome position (GRCh38, 1-based): chr3:10,092,196, C>T. VCF-style: chr3-10092196-C-T. GRCh37 (hg19) VCF-style: chr3-10133880-C-T.
Other names: c.3793C>T, p.Leu1265Phe (NM_033084.6, NM_001319984.2, NM_001374254.1); c.*44-10665G>A (NM_173472.2); c.3682C>T, p.Leu1228Phe (NM_001374253.1); short protein forms L1228F, L1265F.
Identifiers: ClinVar variation 1034442 (VCV001034442.9), dbSNP rs749410557, ClinGen allele CA2250522.